The following is an entry in ClinVar:

ClinVar aggregate classification (somatic clinical impact): Tier II - Potential (1 of 4 stars; one submission).

Conditions:
Primary central nervous system lymphoma. Identifiers: Orphanet 46135, MedGen C0280803, MONDO:0002571, HP:0030069.

Submission:

National Institute of Cancer Research, National Health Research Institutes
Classification: Tier II - Potential for Primary central nervous system lymphoma. Assertion type: therapeutic. Clinical significance: reduced sensitivity. Review status: criteria provided, single submitter. Criteria: AMP/ASCO/CAP Guidelines, 2017. Collection method: clinical testing. Allele origin: somatic. Affected: yes.
Comment: Variant has Tier II (potential) clinical significance as a therapeutic (reduced sensitivity) criterion in lymphoma based on the following evidence: 1) Infomration in the literature supports potential biologic effect of variant (PMID: 36495369). 2) Mutations affecting IRF4 and therapeutic response (PMID: 37935654)

Literature cited by the submitters: PubMed 36495369; PubMed 37935654.

NM_002460.4(IRF4):c.70C>G (p.Leu24Val)

Gene: IRF4 (interferon regulatory factor 4; plus strand). Cytogenetic location: 6p25.3.
Variant type: single nucleotide variant.
Coding change: c.70C>G on transcript NM_002460.4 (MANE Select); coding-DNA position 70, C replaced by G.
Protein change: p.Leu24Val; replaces leucine 24 with valine.
Molecular consequence: missense variant. On other transcripts: non-coding transcript variant (1).
Genome position (GRCh38, 1-based): chr6:393,222, C>G. VCF-style: chr6-393222-C-G. GRCh37 (hg19) VCF-style: chr6-393222-C-G.
Other names: c.70C>G, p.Leu24Val (NM_001195286.2); short protein forms L24V.
Identifiers: ClinVar variation 4688085 (VCV004688085.1).
Genomic context (GRCh38, chr6:393,222, plus strand): 5'-GAGGGCGGCGGCCGAGGCGGAGAGTTCGGCATGAGCGCGGTGAGCTGCGGCAACGGGAAG[C>G]TCCGCCAGTGGCTGATCGACCAGATCGACAGCGGCAAGTACCCCGGGCTGGTGTGGGAGA-3'
Protein context (NP_002451.2, residues 14-34): MSAVSCGNGK[Leu24Val]RQWLIDQIDS